The following is an entry in ClinVar:

NM_198525.3(KIF7):c.3913C>T (p.Arg1305Trp)

Gene: KIF7 (kinesin family member 7; minus strand). Cytogenetic location: 15q26.1.
Variant type: single nucleotide variant.
Coding change: c.3913C>T on transcript NM_198525.3 (MANE Select); coding-DNA position 3913, C replaced by T.
Protein change: p.Arg1305Trp; replaces arginine 1305 with tryptophan.
Molecular consequence: missense variant.
Genome position (GRCh38, 1-based): chr15:89,628,538, G>A on the plus strand (C>T on the coding strand, the complement: KIF7 is on the minus strand). VCF-style: chr15-89628538-G-A. GRCh37 (hg19) VCF-style: chr15-90171769-G-A.
Other names: c.3913C>T (NM_198525.2); short protein forms R1305W.
Identifiers: ClinVar variation 2195271 (VCV002195271.4), dbSNP rs756750505, ClinGen allele CA7727480.

ClinVar aggregate classification (germline): Uncertain significance. Review status: criteria provided, multiple submitters, no conflicts (2 of 4 stars). 2 submissions from 2 submitters: Uncertain significance (2). Last evaluated 2022-07-08.

Conditions:
Inborn genetic diseases. Identifiers: MedGen C0950123, MeSH D030342.
Acrocallosal syndrome (ACLS). Also called: HALLUX DUPLICATION, POSTAXIAL POLYDACTYLY, AND ABSENCE OF CORPUS CALLOSUM; Schinzel syndrome 1; Absence of corpus callosum with unusual facial appearance, mental deficiency, duplication of the halluces and polydactyly. Identifiers: Orphanet 36, MedGen C0796147, MONDO:0008708, OMIM 200990.

Allele frequency attached by ClinVar (database versions not stated): TOPMed 0.00001.
gnomAD v4.1: 11 of 1,613,114 alleles (0.00068%); highest among the groups gnomAD compares: African/African-American, 0.0053%; no homozygotes.

Submissions (2):

Ambry Genetics
Classification: Uncertain significance for Inborn genetic diseases. Last evaluated: 2022-07-08. Review status: criteria provided, single submitter. Criteria: Ambry Variant Classification Scheme 2023. Collection method: clinical testing. Allele origin: germline.

Labcorp Genetics (formerly Invitae), Labcorp
Classification: Uncertain significance for Acrocallosal syndrome. Last evaluated: 2022-05-03. Review status: criteria provided, single submitter. Criteria: Invitae Variant Classification Sherloc (09022015). Collection method: clinical testing. Allele origin: germline.
Comment: Algorithms developed to predict the effect of sequence changes on RNA splicing suggest that this variant may create or strengthen a splice site. Algorithms developed to predict the effect of missense changes on protein structure and function output the following: SIFT: "Deleterious"; PolyPhen-2: "Benign"; Align-GVGD: "Class C0". The tryptophan amino acid residue is found in multiple mammalian species, which suggests that this missense change does not adversely affect protein function. This variant has not been reported in the literature in individuals affected with KIF7-related conditions. This variant is present in population databases (rs756750505, gnomAD 0.007%). This sequence change replaces arginine, which is basic and polar, with tryptophan, which is neutral and slightly polar, at codon 1305 of the KIF7 protein (p.Arg1305Trp). In summary, the available evidence is currently insufficient to determine the role of this variant in disease. Therefore, it has been classified as a Variant of Uncertain Significance.